The following is an entry in ClinVar:

NM_003172.4(SURF1):c.352A>G (p.Arg118Gly)

Gene: SURF1 (SURF1 cytochrome c oxidase assembly factor; minus strand). Cytogenetic location: 9q34.2.
Variant type: single nucleotide variant.
Coding change: c.352A>G on transcript NM_003172.4 (MANE Select); coding-DNA position 352, A replaced by G.
Protein change: p.Arg118Gly; replaces arginine 118 with glycine.
Molecular consequence: missense variant.
Genome position (GRCh38, 1-based): chr9:133,353,912, T>C on the plus strand (A>G on the coding strand, the complement: SURF1 is on the minus strand). VCF-style: chr9-133353912-T-C. GRCh37 (hg19) VCF-style: chr9-136220767-T-C.
Other names: c.25A>G, p.Arg9Gly (NM_001280787.1); short protein forms R118G, R9G.
Identifiers: ClinVar variation 2054251 (VCV002054251.1), dbSNP rs201492662, ClinGen allele CA200833073.
Genomic context (GRCh38, chr9:133,353,912, plus strand): 5'-TCCGGGGCATCATATACAGCTCCTTGGAATGGTCAAAGCACCCCCTGACCTTCACTGGCC[T>C]ATACTCCAGATTTTTCAGTTCCATTGGGCTGCATGGAGATAAGAACAGTGGCCGAGCAAG-3'
Protein context (NP_003163.1, residues 108-128): DPMELKNLEY[Arg118Gly]PVKVRGCFDH

ClinVar aggregate classification (germline): Uncertain significance (1 of 4 stars; one submission).

Conditions:
Leigh syndrome (NULS). Also called: Leigh Syndrome (mtDNA deletion); Leigh's necrotizing encephalopathy; Leigh's disease; Leigh's syndrome; LEIGH SYNDROME, NUCLEAR; Leigh Disease. Identifiers: Orphanet 506, MedGen C2931891, MONDO:0009723, OMIM 256000.

gnomAD v4.1: 12 of 1,613,792 alleles (0.00074%); highest among the groups gnomAD compares: East Asian, 0.0045%; no homozygotes.

Submission:

Labcorp Genetics (formerly Invitae), Labcorp
Classification: Uncertain significance for Leigh syndrome. Last evaluated: 2022-06-04. Review status: criteria provided, single submitter. Criteria: Invitae Variant Classification Sherloc (09022015). Collection method: clinical testing. Allele origin: germline.
Comment: This sequence change replaces arginine, which is basic and polar, with glycine, which is neutral and non-polar, at codon 118 of the SURF1 protein (p.Arg118Gly). This variant is present in population databases (rs201492662, gnomAD 0.02%). This variant has not been reported in the literature in individuals affected with SURF1-related conditions. Algorithms developed to predict the effect of missense changes on protein structure and function are either unavailable or do not agree on the potential impact of this missense change (SIFT: "Tolerated"; PolyPhen-2: "Probably Damaging"; Align-GVGD: "Class C0"). In summary, the available evidence is currently insufficient to determine the role of this variant in disease. Therefore, it has been classified as a Variant of Uncertain Significance.